The following is an entry in ClinVar:

NM_024757.5(EHMT1):c.2059G>A (p.Gly687Ser)

Gene: EHMT1 (euchromatic histone lysine methyltransferase 1; plus strand). Cytogenetic location: 9q34.3.
Variant type: single nucleotide variant.
Coding change: c.2059G>A on transcript NM_024757.5 (MANE Select); coding-DNA position 2059, G replaced by A.
Protein change: p.Gly687Ser; replaces glycine 687 with serine.
Molecular consequence: missense variant.
Genome position (GRCh38, 1-based): chr9:137,777,922, G>A. VCF-style: chr9-137777922-G-A. GRCh37 (hg19) VCF-style: chr9-140672374-G-A.
Other names: c.2059G>A, p.Gly687Ser (NM_001145527.2); c.1966G>A, p.Gly656Ser (NM_001354259.2); c.2038G>A, p.Gly680Ser (NM_001354263.2); short protein forms G680S, G656S, G687S.
Identifiers: ClinVar variation 1379564 (VCV001379564.9), dbSNP rs1267268829, ClinGen allele CA375778390.

ClinVar aggregate classification (germline): Uncertain significance. Review status: criteria provided, multiple submitters, no conflicts (2 of 4 stars). 2 submissions from 2 submitters: Uncertain significance (2). Last evaluated 2022-05-15.

Conditions:
Kleefstra syndrome 1 (KLEFS1). Identifiers: Orphanet 261494, MedGen C0795833, MONDO:0027407, OMIM 610253.

Allele frequency attached by ClinVar (database versions not stated): gnomAD exomes below 0.00001.
gnomAD v4.1: 2 of 1,613,748 alleles (0.00012%); highest among the groups gnomAD compares: South Asian, 0.0011%; no homozygotes.

Submissions (2):

Labcorp Genetics (formerly Invitae), Labcorp
Classification: Uncertain significance for Kleefstra syndrome 1. Last evaluated: 2022-05-15. Review status: criteria provided, single submitter. Criteria: Invitae Variant Classification Sherloc (09022015). Collection method: clinical testing. Allele origin: germline.
Comment: In summary, the available evidence is currently insufficient to determine the role of this variant in disease. Therefore, it has been classified as a Variant of Uncertain Significance. Algorithms developed to predict the effect of missense changes on protein structure and function output the following: SIFT: "Tolerated"; PolyPhen-2: "Benign"; Align-GVGD: "Class C0". The serine amino acid residue is found in multiple mammalian species, which suggests that this missense change does not adversely affect protein function. This variant has not been reported in the literature in individuals affected with EHMT1-related conditions. This variant is not present in population databases (gnomAD no frequency). This sequence change replaces glycine, which is neutral and non-polar, with serine, which is neutral and polar, at codon 687 of the EHMT1 protein (p.Gly687Ser).

GeneDx
Classification: Uncertain significance. Last evaluated: 2022-01-04. Review status: criteria provided, single submitter. Criteria: GeneDx Variant Classification Process June 2021. Collection method: clinical testing. Allele origin: germline. Affected: yes.
Comment: Not observed at significant frequency in large population cohorts (gnomAD); In silico analysis supports that this missense variant does not alter protein structure/function; Has not been previously published as pathogenic or benign to our knowledge